The following is an entry in ClinVar:

ClinVar aggregate classification (germline): Uncertain significance. Review status: criteria provided, single submitter (1 of 4 stars). 2 submissions from 2 submitters: Uncertain significance (1). 1 of the submissions does not count toward it. Last evaluated 2022-07-21.

Conditions:
Rhizomelic chondrodysplasia punctata (RCDP). Identifiers: Orphanet 177, MedGen C0282529, MONDO:0015776. Disease mechanism: loss of function.
Peroxisome biogenesis disorder 9B. Also called: PEX7-Related Refsum Disease; Refsum disease, adult, 2; PEROXISOME BIOGENESIS DISORDER, PEX7-RELATED, ATYPICAL. Identifiers: Orphanet 773, MedGen C2749346, MONDO:0013945, OMIM 614879.

Allele frequency attached by ClinVar (database versions not stated): TOPMed below 0.00001; gnomAD 0.00001.
gnomAD v4.1: 1 of 1,613,484 alleles (0.000062%); highest among the groups gnomAD compares: African/African-American, 0.0013%; no homozygotes.

Submissions (2):

Labcorp Genetics (formerly Invitae), Labcorp
Classification: Uncertain significance for Peroxisome biogenesis disorder 9B. Last evaluated: 2022-07-21. Review status: criteria provided, single submitter. Criteria: Invitae Variant Classification Sherloc (09022015). Collection method: clinical testing. Allele origin: germline.
Comment: This sequence change replaces aspartic acid, which is acidic and polar, with glycine, which is neutral and non-polar, at codon 177 of the PEX7 protein (p.Asp177Gly). This variant is not present in population databases (gnomAD no frequency). This variant has not been reported in the literature in individuals affected with PEX7-related conditions. Algorithms developed to predict the effect of missense changes on protein structure and function are either unavailable or do not agree on the potential impact of this missense change (SIFT: "Tolerated"; PolyPhen-2: "Probably Damaging"; Align-GVGD: "Class C35"). In summary, the available evidence is currently insufficient to determine the role of this variant in disease. Therefore, it has been classified as a Variant of Uncertain Significance.

Natera, Inc.
Classification: Uncertain significance for Rhizomelic Chondrodysplasia Punctata. Last evaluated: 2025-02-09. Review status: no assertion criteria provided. Collection method: clinical testing. Allele origin: germline. Not counted in ClinVar's aggregate classification.

NM_000288.4(PEX7):c.530A>G (p.Asp177Gly)

Gene: PEX7 (peroxisomal biogenesis factor 7; plus strand). Cytogenetic location: 6q23.3.
Variant type: single nucleotide variant.
Coding change: c.530A>G on transcript NM_000288.4 (MANE Select); coding-DNA position 530, A replaced by G.
Protein change: p.Asp177Gly; replaces aspartic acid 177 with glycine.
Molecular consequence: missense variant.
Genome position (GRCh38, 1-based): chr6:136,866,630, A>G. VCF-style: chr6-136866630-A-G. GRCh37 (hg19) VCF-style: chr6-137187768-A-G.
Other names: c.416A>G, p.Asp139Gly (NM_001410945.1); c.530A>G (NM_000288.3); short protein forms D139G, D177G.
Identifiers: ClinVar variation 1977168 (VCV001977168.3), dbSNP rs1775076806, ClinGen allele CA365762797.